The following is an entry in ClinVar:

ClinVar aggregate classification (germline): Uncertain significance (1 of 4 stars; one submission).

Allele frequency attached by ClinVar (database versions not stated): ExAC 0.00001; gnomAD 0.00002 and 0.00003; TOPMed 0.00003; ESP Exome Variant Server 0.00008.
gnomAD v4.1: 18 of 1,613,726 alleles (0.0011%); highest among the groups gnomAD compares: Non-Finnish European, 0.0014%; no homozygotes.

Submission:

Labcorp Genetics (formerly Invitae), Labcorp
Classification: Uncertain significance. Last evaluated: 2021-01-08. Review status: criteria provided, single submitter. Criteria: Invitae Variant Classification Sherloc (09022015). Collection method: clinical testing. Allele origin: germline.
Comment: This variant has not been reported in the literature in individuals with HTT-related conditions. This variant is present in population databases (rs374828999, ExAC 0.001%). This sequence change replaces glutamine with arginine at codon 1524 of the HTT protein (p.Gln1524Arg). The glutamine residue is moderately conserved and there is a small physicochemical difference between glutamine and arginine. Experimental studies and prediction algorithms are not available or were not evaluated, and the functional significance of this variant is currently unknown. In summary, the available evidence is currently insufficient to determine the role of this variant in disease. Therefore, it has been classified as a Variant of Uncertain Significance.

NM_001388492.1(HTT):c.4565A>G (p.Gln1522Arg)

Gene: HTT (huntingtin; plus strand). Cytogenetic location: 4p16.3.
Variant type: single nucleotide variant.
Coding change: c.4565A>G on transcript NM_001388492.1 (MANE Select); coding-DNA position 4565, A replaced by G.
Protein change: p.Gln1522Arg; replaces glutamine 1522 with arginine.
Molecular consequence: missense variant.
Genome position (GRCh38, 1-based): chr4:3,178,399, A>G. VCF-style: chr4-3178399-A-G. GRCh37 (hg19) VCF-style: chr4-3180126-A-G.
Other names: c.4571A>G, p.Gln1524Arg (NM_002111.8); short protein forms Q1524R, Q1522R.
Identifiers: ClinVar variation 1449101 (VCV001449101.6), dbSNP rs374828999, ClinGen allele CA2824466.